The following is an entry in ClinVar:

NM_001374828.1(ARID1B):c.5615_5616dup (p.Glu1873fs)

Gene: ARID1B (AT-rich interaction domain 1B; plus strand). Cytogenetic location: 6q25.3.
Variant type: Duplication.
Coding change: c.5615_5616dup on transcript NM_001374828.1 (MANE Select); coding-DNA positions 5615 to 5616, 2 bases duplicated (AG; older notation c.5615_5616dupAG).
Protein change: p.Glu1873fs; shifts the reading frame from glutamic acid 1873.
Molecular consequence: frameshift variant.
Genome position (GRCh38, 1-based): chr6:157,206,387-157,206,388, AG duplicated; duplicating any 2 consecutive bases within chr6:157,206,386-157,206,388 gives the same sequence; the c. name uses the placement nearest the transcript's 3' end. VCF-style (leftmost placement, unchanged base first): chr6-157206385-G-GGA. GRCh37 (hg19) VCF-style: chr6-157527519-G-GGA.
Other names: c.3116_3117dup, p.Glu1040fs (NM_001363725.2); c.5495_5496dup, p.Glu1833fs (NM_001371656.1, NM_001374820.1); c.5456_5457dup, p.Glu1820fs (NM_017519.3); short protein forms E1040fs, E1820fs, E1833fs, E1873fs.
Identifiers: ClinVar variation 1687313 (VCV001687313.1), dbSNP rs2128392250, ClinGen allele CA2573140708.
Genomic context (GRCh38, chr6:157,206,385, plus strand): 5'-TGGGAAAGAGGAGGAAGATGCTGAATGTATTGATGACGACGAGGAAGACGAGGAGGATGA[G>GGA]GAGGAAGACAGCGAGAAGACAGAAAGCGATGAAAAGAGCAGCATCGCTCTGACTGCCCCG-3'

ClinVar aggregate classification (germline): Likely pathogenic (1 of 4 stars; one submission).

Conditions:
Coffin-Siris syndrome 1 (CSS1). Also called: Mental retardation, autosomal dominant 12; ARID1B-Related Coffin-Siris Syndrome. Identifiers: Orphanet 1465, MedGen C3281201, MONDO:0007617, OMIM 135900. Disease mechanism: gain of function.

Submission:

3billion
Classification: Likely pathogenic for Coffin-Siris syndrome 1. Last evaluated: 2022-05-22. Review status: criteria provided, single submitter. Criteria: ACMG Guidelines, 2015. Collection method: clinical testing. Allele origin: germline. Affected: yes. Observed: 1 heterozygote.
Comment: The variant is not observed in the gnomAD v2.1.1 dataset. Frameshift: predicted to result in a loss or disruption of normal protein function through protein truncation. Multiple pathogenic variants are reported in the predicted truncated region. Therefore, this variant is classified as likely pathogenic according to the recommendation of ACMG/AMP guideline.